The following is an entry in ClinVar:

ClinVar aggregate classification (germline): Likely benign (1 of 4 stars; one submission).

Submission:

Mayo Clinic Laboratories, Mayo Clinic
Classification: Likely benign. Last evaluated: 2025-10-17. Review status: criteria provided, single submitter. Criteria: ACMG Guidelines, 2015. Collection method: clinical testing. Allele origin: germline. Observed: 1 variant allele.
Comment: BS2, BP4, BP7

NM_001020658.2(PUM1):c.*3C>T

Gene: PUM1 (pumilio RNA binding family member 1; minus strand). Cytogenetic location: 1p35.2.
Variant type: single nucleotide variant.
Coding change: c.*3C>T on transcript NM_001020658.2 (MANE Select); 3 bases downstream of the stop codon, C replaced by T.
Molecular consequence: 3 prime UTR variant.
Genome position (GRCh38, 1-based): chr1:30,933,208, G>A on the plus strand (C>T on the coding strand, the complement: PUM1 is on the minus strand). VCF-style: chr1-30933208-G-A. GRCh37 (hg19) VCF-style: chr1-31406055-G-A.
Other names: c.*3C>T (NM_014676.3).
Identifiers: ClinVar variation 4684807 (VCV004684807.1).
Genomic context (GRCh38, chr1:30,933,208, plus strand): 5'-GGTTGGATTTGCCAGTGGGCCAGTGAGGTCAGCGGGAATGAGGGAACAGCGGGTGACACT[G>A]CCTCAGATGATACCATTAGGGGGGCCACAGATGGGCCCTAAGTCAACACCGTTCTTCATG-3'